The following is an entry in ClinVar:

ClinVar aggregate classification (germline): Likely benign. Review status: criteria provided, multiple submitters, no conflicts (2 of 4 stars). 4 submissions from 4 submitters: Likely benign (4). Last evaluated 2026-09-01.

Allele frequency attached by ClinVar (database versions not stated): ESP Exome Variant Server 0.00015; gnomAD 0.00019 and 0.00023; gnomAD exomes 0.00024 and 0.00027; TOPMed 0.00029; ExAC 0.00030; 1000 Genomes Project 30x 0.00031; 1000 Genomes Project 0.00040.
gnomAD v4.1: 400 of 1,614,206 alleles (0.025%); highest among the groups gnomAD compares: Middle Eastern, 0.2%; 3 homozygotes.

Submissions (4):

CeGaT Center for Human Genetics Tuebingen
Classification: Likely benign. Last evaluated: 2026-09-01. Review status: criteria provided, single submitter. Criteria: CeGaT Center For Human Genetics Tuebingen Variant Classification Criteria Version 2. Collection method: clinical testing. Allele origin: germline. Affected: yes. Observed: 2 variant alleles.
Comment: EXTL3: BP4, BP7

Labcorp Genetics (formerly Invitae), Labcorp
Classification: Likely benign. Last evaluated: 2026-02-03. Review status: criteria provided, single submitter. Criteria: Invitae Variant Classification Sherloc (09022015). Collection method: clinical testing. Allele origin: germline.

Blueprint Genetics
Classification: Likely benign. Last evaluated: 2024-11-11. Review status: criteria provided, single submitter. Criteria: ACMG Guidelines, 2015. Collection method: clinical testing. Allele origin: germline.

Breakthrough Genomics
Classification: Likely benign. Review status: criteria provided, single submitter. Criteria: ACMG Guidelines, 2015. Collection method: not provided. Allele origin: germline. Inheritance: Autosomal recessive inheritance. Affected: yes.

NM_001440.4(EXTL3):c.234C>T (p.His78=)

Gene: EXTL3 (exostosin like glycosyltransferase 3; plus strand). Cytogenetic location: 8p21.1.
Variant type: single nucleotide variant.
Coding change: c.234C>T on transcript NM_001440.4 (MANE Select); coding-DNA position 234, C replaced by T.
Protein change: p.His78=; no amino-acid change (histidine 78 retained).
Molecular consequence: synonymous variant.
Genome position (GRCh38, 1-based): chr8:28,716,293, C>T. VCF-style: chr8-28716293-C-T. GRCh37 (hg19) VCF-style: chr8-28573810-C-T.
Identifiers: ClinVar variation 726184 (VCV000726184.12), dbSNP rs200105783, ClinGen allele CA4695959.